The following is an entry in ClinVar:

ClinVar aggregate classification (germline): Uncertain significance (1 of 4 stars; one submission).

gnomAD v4.1: 1 of 1,613,630 alleles (0.000062%); highest among the groups gnomAD compares: East Asian, 0.0022%; no homozygotes.

Submission:

Ambry Genetics
Classification: Uncertain significance. Last evaluated: 2024-12-20. Review status: criteria provided, single submitter. Criteria: Ambry Variant Classification Scheme 2023. Collection method: clinical testing. Allele origin: germline.
Comment: The p.P770R variant (also known as c.2309C>G), located in coding exon 13 of the GEN1 gene, results from a C to G substitution at nucleotide position 2309. The proline at codon 770 is replaced by arginine, an amino acid with dissimilar properties. This amino acid position is conserved. In addition, this alteration is predicted to be tolerated by in silico analysis. Based on the available evidence, the clinical significance of this variant remains unclear.

NM_001130009.3(GEN1):c.2309C>G (p.Pro770Arg)

Gene: GEN1 (GEN1 Holliday junction 5' flap endonuclease; plus strand). Cytogenetic location: 2p24.2.
Variant type: single nucleotide variant.
Coding change: c.2309C>G on transcript NM_001130009.3 (MANE Select); coding-DNA position 2309, C replaced by G.
Protein change: p.Pro770Arg; replaces proline 770 with arginine.
Molecular consequence: missense variant.
Genome position (GRCh38, 1-based): chr2:17,781,521, C>G. VCF-style: chr2-17781521-C-G. GRCh37 (hg19) VCF-style: chr2-17962788-C-G.
Other names: c.2309C>G, p.Pro770Arg (NM_182625.5); short protein forms P770R.
Identifiers: ClinVar variation 3853444 (VCV003853444.1).
Genomic context (GRCh38, chr2:17,781,521, plus strand): 5'-TCAATACTTCTGTCCCTTATTCTGTCAGTAACACAGTGGTAAAGACCTGCAATGTTAGAC[C>G]ACCAAATACTGCTTTAGATCATAGTAGAAAAGTTGATATGCAAACCACTCGGAAAATTTT-3'
Protein context (NP_001123481.3, residues 760-780): NTVVKTCNVR[Pro770Arg]PNTALDHSRK